The following is an entry in ClinVar:

ClinVar aggregate classification (germline): Uncertain significance. Review status: criteria provided, multiple submitters, no conflicts (2 of 4 stars). 2 submissions from 2 submitters: Uncertain significance (2). Last evaluated 2024-12-01.

Conditions:
Hereditary cancer-predisposing syndrome. Also called: Hereditary Cancer Syndrome; Tumor predisposition; Hereditary neoplastic syndrome; Neoplastic Syndromes, Hereditary. Identifiers: Orphanet 140162, MedGen C0027672, MeSH D009386, MONDO:0015356.
Tuberous sclerosis 2 (TSC2). Identifiers: Orphanet 805, MedGen C1860707, MONDO:0013199, OMIM 613254.

Submissions (2):

Ambry Genetics
Classification: Uncertain significance for Hereditary cancer-predisposing syndrome. Last evaluated: 2024-12-01. Review status: criteria provided, single submitter. Criteria: Ambry Variant Classification Scheme 2023. Collection method: clinical testing. Allele origin: germline.
Comment: The p.V513M variant (also known as c.1537G>A), located in coding exon 14 of the TSC2 gene, results from a G to A substitution at nucleotide position 1537. The valine at codon 513 is replaced by methionine, an amino acid with highly similar properties. This amino acid position is conserved. In addition, this alteration is predicted to be deleterious by in silico analysis. Based on the available evidence, the clinical significance of this variant remains unclear.

Labcorp Genetics (formerly Invitae), Labcorp
Classification: Uncertain significance for Tuberous sclerosis 2. Last evaluated: 2023-08-09. Review status: criteria provided, single submitter. Criteria: Invitae Variant Classification Sherloc (09022015). Collection method: clinical testing. Allele origin: germline.
Comment: In summary, the available evidence is currently insufficient to determine the role of this variant in disease. Therefore, it has been classified as a Variant of Uncertain Significance. Advanced modeling of protein sequence and biophysical properties (such as structural, functional, and spatial information, amino acid conservation, physicochemical variation, residue mobility, and thermodynamic stability) performed at Invitae indicates that this missense variant is not expected to disrupt TSC2 protein function. This variant has not been reported in the literature in individuals affected with TSC2-related conditions. This variant is not present in population databases (gnomAD no frequency). This sequence change replaces valine, which is neutral and non-polar, with methionine, which is neutral and non-polar, at codon 513 of the TSC2 protein (p.Val513Met).

NM_000548.5(TSC2):c.1537G>A (p.Val513Met)

Gene: TSC2 (TSC complex subunit 2; plus strand). Cytogenetic location: 16p13.3.
Variant type: single nucleotide variant.
Coding change: c.1537G>A on transcript NM_000548.5 (MANE Select); coding-DNA position 1537, G replaced by A.
Protein change: p.Val513Met; replaces valine 513 with methionine.
Molecular consequence: missense variant. On other transcripts: 5 prime UTR variant (1), non-coding transcript variant (5).
Genome position (GRCh38, 1-based): chr16:2,064,365, G>A. VCF-style: chr16-2064365-G-A. GRCh37 (hg19) VCF-style: chr16-2114366-G-A.
Other names: c.1537G>A, p.Val513Met (NM_001077183.3, NM_001114382.3, NM_001363528.2 and 6 more transcripts); c.1426G>A, p.Val476Met (NM_001318827.2, NM_001406670.1, NM_001406678.1); c.1390G>A, p.Val464Met (NM_001318829.2, NM_001406675.1, NM_001406676.1 and 1 more transcripts); c.937G>A, p.Val313Met (NM_001318831.2, NM_001406680.1, NM_001406682.1 and 6 more transcripts); c.1570G>A, p.Val524Met (NM_001318832.2); c.1627G>A, p.Val543Met (NM_001406667.1, NM_001406668.1); c.1525G>A, p.Val509Met (NM_001406671.1, NM_001406673.1); c.1480G>A, p.Val494Met (NM_001406677.1); and 3 more; short protein forms V476M, V513M, V524M, V359M, V464M, V543M, V313M, V509M.
Identifiers: ClinVar variation 2751313 (VCV002751313.4), dbSNP rs2548571584, ClinGen allele CA394326321.